The following is an entry in ClinVar:

ClinVar aggregate classification (germline): Uncertain significance (1 of 4 stars; one submission).

Allele frequency attached by ClinVar (database versions not stated): gnomAD 0.00001.
gnomAD v4.1: 3 of 1,613,708 alleles (0.00019%); highest among the groups gnomAD compares: African/African-American, 0.0013%; no homozygotes.

Submission:

Labcorp Genetics (formerly Invitae), Labcorp
Classification: Uncertain significance. Last evaluated: 2022-06-10. Review status: criteria provided, single submitter. Criteria: Invitae Variant Classification Sherloc (09022015). Collection method: clinical testing. Allele origin: germline.
Comment: In summary, the available evidence is currently insufficient to determine the role of this variant in disease. Therefore, it has been classified as a Variant of Uncertain Significance. Algorithms developed to predict the effect of missense changes on protein structure and function (SIFT, PolyPhen-2, Align-GVGD) all suggest that this variant is likely to be disruptive. This variant has not been reported in the literature in individuals affected with MTPAP-related conditions. This variant is present in population databases (no rsID available, gnomAD 0.01%). This sequence change replaces cysteine, which is neutral and slightly polar, with tyrosine, which is neutral and polar, at codon 419 of the MTPAP protein (p.Cys419Tyr).

NM_018109.4(MTPAP):c.1256G>A (p.Cys419Tyr)

Gene: MTPAP (mitochondrial poly(A) polymerase; minus strand). Cytogenetic location: 10p11.23.
Variant type: single nucleotide variant.
Coding change: c.1256G>A on transcript NM_018109.4 (MANE Select); coding-DNA position 1256, G replaced by A.
Protein change: p.Cys419Tyr; replaces cysteine 419 with tyrosine.
Molecular consequence: missense variant.
Genome position (GRCh38, 1-based): chr10:30,316,174, C>T on the plus strand (G>A on the coding strand, the complement: MTPAP is on the minus strand). VCF-style: chr10-30316174-C-T. GRCh37 (hg19) VCF-style: chr10-30605103-C-T.
Other names: short protein forms C419Y.
Identifiers: ClinVar variation 1944645 (VCV001944645.5), dbSNP rs1237042308, ClinGen allele CA376435214.
Genomic context (GRCh38, chr10:30,316,174, plus strand): 5'-TTACCTAATGTTTCTGTGTTCTGTGAAGGTTTAATTCTACTCAAGTCACGAACAAATGTG[C>T]AGTTGTTGCCTTCTATTACACATTTATCTTCTGCATCTTAAACACAAACAAAAAATATTT-3'
Protein context (NP_060579.3, residues 409-429): EDKCVIEGNN[Cys419Tyr]TFVRDLSRIK